The following is an entry in ClinVar:

NM_000742.4(CHRNA2):c.653A>G (p.Gln218Arg)

Gene: CHRNA2 (cholinergic receptor nicotinic alpha 2 subunit; minus strand). Cytogenetic location: 8p21.2.
Variant type: single nucleotide variant.
Coding change: c.653A>G on transcript NM_000742.4 (MANE Select); coding-DNA position 653, A replaced by G.
Protein change: p.Gln218Arg; replaces glutamine 218 with arginine.
Molecular consequence: missense variant.
Genome position (GRCh38, 1-based): chr8:27,463,790, T>C on the plus strand (A>G on the coding strand, the complement: CHRNA2 is on the minus strand). VCF-style: chr8-27463790-T-C. GRCh37 (hg19) VCF-style: chr8-27321307-T-C.
Other names: c.608A>G, p.Gln203Arg (NM_001282455.2); c.176A>G, p.Gln59Arg (NM_001347705.2, NM_001347706.2); c.59A>G, p.Gln20Arg (NM_001347707.2, NM_001347708.2); short protein forms Q59R, Q20R, Q203R, Q218R.
Identifiers: ClinVar variation 1511452 (VCV001511452.6), dbSNP rs377660408, ClinGen allele CA4689613.

ClinVar aggregate classification (germline): Uncertain significance (1 of 4 stars; one submission).

Conditions:
Familial sleep-related hypermotor epilepsy. Also called: Autosomal Dominant Sleep-Related Hypermotor (Hyperkinetic) Epilepsy. Identifiers: Orphanet 98784, MedGen C3696898, MONDO:0000030.

Allele frequency attached by ClinVar (database versions not stated): TOPMed below 0.00001; ExAC 0.00001; ESP Exome Variant Server 0.00008; gnomAD exomes 0.00001 and below 0.00001.
gnomAD v4.1: 9 of 1,614,176 alleles (0.00056%); highest among the groups gnomAD compares: Non-Finnish European, 0.00076%; no homozygotes.

Submission:

Labcorp Genetics (formerly Invitae), Labcorp
Classification: Uncertain significance. Last evaluated: 2025-07-09. Review status: criteria provided, single submitter. Criteria: Invitae Variant Classification Sherloc (09022015). Collection method: clinical testing. Allele origin: germline.
Comment: This sequence change replaces glutamine, which is neutral and polar, with arginine, which is basic and polar, at codon 218 of the CHRNA2 protein (p.Gln218Arg). This variant is present in population databases (rs377660408, gnomAD 0.0009%). This variant has not been reported in the literature in individuals affected with CHRNA2-related conditions. ClinVar contains an entry for this variant (Variation ID: 1511452). Invitae Evidence Modeling of protein sequence and biophysical properties (such as structural, functional, and spatial information, amino acid conservation, physicochemical variation, residue mobility, and thermodynamic stability) indicates that this missense variant is not expected to disrupt CHRNA2 protein function with a negative predictive value of 80%. In summary, the available evidence is currently insufficient to determine the role of this variant in disease. Therefore, it has been classified as a Variant of Uncertain Significance.